The following is an entry in ClinVar:

ClinVar aggregate classification (germline): Pathogenic (1 of 4 stars; one submission).

Submission:

Labcorp Genetics (formerly Invitae), Labcorp
Classification: Pathogenic. Last evaluated: 2022-07-19. Review status: criteria provided, single submitter. Criteria: Invitae Variant Classification Sherloc (09022015). Collection method: clinical testing. Allele origin: germline.
Comment: For these reasons, this variant has been classified as Pathogenic. This variant disrupts a region of the USH2A protein in which other variant(s) (p.Thr5035Argfs*142) have been determined to be pathogenic (PMID: 25252889). This suggests that this is a clinically significant region of the protein, and that variants that disrupt it are likely to be disease-causing. ClinVar contains an entry for this variant (Variation ID: 1434980). This variant has not been reported in the literature in individuals affected with USH2A-related conditions. This variant is not present in population databases (gnomAD no frequency). This sequence change creates a premature translational stop signal (p.Lys5028Glyfs*149) in the USH2A gene. While this is not anticipated to result in nonsense mediated decay, it is expected to disrupt the last 175 amino acid(s) of the USH2A protein.

Literature cited by the submitters: PubMed 25252889.

NM_206933.4(USH2A):c.15082_15083del (p.Lys5028fs)

Gene: USH2A (usherin; minus strand). Cytogenetic location: 1q41.
Variant type: Deletion.
Coding change: c.15082_15083del on transcript NM_206933.4 (MANE Select); coding-DNA positions 15082 to 15083, 2 bases deleted (AA; older notation c.15082_15083delAA).
Protein change: p.Lys5028fs; shifts the reading frame from lysine 5028.
Molecular consequence: frameshift variant.
Genome position (GRCh38, 1-based): chr1:215,634,673-215,634,674, TT deleted on the plus strand (AA on the coding strand, the reverse complement: USH2A is on the minus strand). VCF-style (leftmost placement, unchanged base first): chr1-215634672-CTT-C. GRCh37 (hg19) VCF-style: chr1-215808014-CTT-C.
Other names: short protein forms K5028fs.
Identifiers: ClinVar variation 1434980 (VCV001434980.6), dbSNP rs2102630722, ClinGen allele CA2573131552.